The following is an entry in ClinVar:

NM_000138.5(FBN1):c.236dup (p.Cys80fs)

Gene: FBN1 (fibrillin 1; minus strand). Cytogenetic location: 15q21.1.
Variant type: Duplication.
Coding change: c.236dup on transcript NM_000138.5 (MANE Select); coding-DNA position 236, one base duplicated (A; older notation c.236dupA).
Protein change: p.Cys80fs; shifts the reading frame from cysteine 80.
Molecular consequence: frameshift variant.
Genome position (GRCh38, 1-based): chr15:48,613,021, T duplicated on the plus strand (A on the coding strand, the reverse complement: FBN1 is on the minus strand). VCF-style (leftmost placement, unchanged base first): chr15-48613020-C-CT. GRCh37 (hg19) VCF-style: chr15-48905217-C-CT.
Other names: c.236dupA (NM_000138.4); short protein forms C80fs.
Identifiers: ClinVar variation 628893 (VCV000628893.2), dbSNP rs1566938153, ClinGen allele CA913188657.

ClinVar aggregate classification (germline): Pathogenic (1 of 4 stars; one submission).

Conditions:
Familial thoracic aortic aneurysm and aortic dissection (TAAD). Also called: Thoracic aortic aneurysms and dissections. Identifiers: Orphanet 91387, MedGen C4707243, MONDO:0019625.

Submission:

Color Diagnostics, LLC DBA Color Health
Classification: Pathogenic for Familial thoracic aortic aneurysm and aortic dissection. Last evaluated: 2018-07-20. Review status: criteria provided, single submitter. Criteria: ACMG Guidelines, 2015. Collection method: clinical testing. Allele origin: germline.
Comment: Pathogenic variant based on current evidence: This variant inserts 1 nucleotide in exon 3 of the FBN1 gene, creating a frameshift and premature translation stop signal. This variant is expected to result in an absent or non-functional protein product. To our knowledge, functional assays have not been performed for this variant nor has this variant been reported in individuals affected with Marfan syndrome or cardiovascular disorders in the literature. This variant is rare in the general population and has been identified in 0/277264 chromosomes by the Genome Aggregation Database (gnomAD). Loss of FBN1 function is a known mechanism of disease. Based on available evidence, this variant is classified as Pathogenic.